The following is an entry in ClinVar:

ClinVar aggregate classification (germline): Uncertain significance (1 of 4 stars; one submission).

Submission:

Ambry Genetics
Classification: Uncertain significance. Last evaluated: 2025-09-20. Review status: criteria provided, single submitter. Criteria: Ambry Variant Classification Scheme 2023. Collection method: clinical testing. Allele origin: germline.
Comment: The p.G220V variant (also known as c.659G>T), located in coding exon 1 of the MC1R gene, results from a G to T substitution at nucleotide position 659. The glycine at codon 220 is replaced by valine, an amino acid with dissimilar properties. This amino acid position is conserved. In addition, this alteration is predicted to be tolerated by in silico analysis. Based on the available evidence, the clinical significance of this variant remains unclear.

NM_002386.4(MC1R):c.659G>T (p.Gly220Val)

Gene: MC1R (melanocortin 1 receptor; plus strand). Cytogenetic location: 16q24.3.
Variant type: single nucleotide variant.
Coding change: c.659G>T on transcript NM_002386.4 (MANE Select); coding-DNA position 659, G replaced by T.
Protein change: p.Gly220Val; replaces glycine 220 with valine.
Molecular consequence: missense variant.
Genome position (GRCh38, 1-based): chr16:89,919,917, G>T. VCF-style: chr16-89919917-G-T. GRCh37 (hg19) VCF-style: chr16-89986325-G-T.
Other names: short protein forms G220V.
Identifiers: ClinVar variation 4550286 (VCV004550286.1).